The following is an entry in ClinVar:

NM_001164508.2(NEB):c.8266-20A>C

Gene: NEB (nebulin; minus strand). Cytogenetic location: 2q23.3.
Variant type: single nucleotide variant.
Coding change: c.8266-20A>C on transcript NM_001164508.2 (MANE Select); 20 bases into the intron before coding-DNA position 8266, A replaced by C.
Molecular consequence: intron variant.
Genome position (GRCh38, 1-based): chr2:151,642,701, T>G on the plus strand (A>C on the coding strand, the complement: NEB is on the minus strand). VCF-style: chr2-151642701-T-G. GRCh37 (hg19) VCF-style: chr2-152499215-T-G.
Other names: c.8266-20A>C (NM_004543.5, NM_001164507.2, NM_001271208.2).
Identifiers: ClinVar variation 516521 (VCV000516521.4), dbSNP rs1241056840, ClinGen allele CA537030493.

ClinVar aggregate classification (germline): Likely benign. Review status: criteria provided, multiple submitters, no conflicts (2 of 4 stars). 2 submissions from 2 submitters: Likely benign (2). Last evaluated 2025-10-13.

Conditions:
Nemaline myopathy 2 (NEM2). Also called: Nemaline myopathy 2, autosomal recessive. Identifiers: MedGen C1850569, MONDO:0009725, OMIM 256030.

Allele frequency attached by ClinVar (database versions not stated): gnomAD exomes 0.00001; TOPMed 0.00001.
gnomAD v4.1: 7 of 1,610,746 alleles (0.00043%); highest among the groups gnomAD compares: Admixed American, 0.01%; no homozygotes.

Submissions (2):

Labcorp Genetics (formerly Invitae), Labcorp
Classification: Likely benign for Nemaline myopathy 2. Last evaluated: 2025-10-13. Review status: criteria provided, single submitter. Criteria: Invitae Variant Classification Sherloc (09022015). Collection method: clinical testing. Allele origin: germline.

GeneDx
Classification: Likely benign. Last evaluated: 2017-05-11. Review status: criteria provided, single submitter. Criteria: GeneDx Variant Classification (06012015). Collection method: clinical testing. Allele origin: germline. Affected: yes.
Comment: This variant is considered likely benign or benign based on one or more of the following criteria: it is a conservative change, it occurs at a poorly conserved position in the protein, it is predicted to be benign by multiple in silico algorithms, and/or has population frequency not consistent with disease.